The following is an entry in ClinVar:

ClinVar aggregate classification (germline): Conflicting classifications of pathogenicity. Review status: criteria provided, conflicting classifications (1 of 4 stars). 8 submissions from 8 submitters: Pathogenic (1); Likely pathogenic (5); Uncertain significance (2). Last evaluated 2025-11-27.

Conditions:
Wolfram syndrome 1 (WFS1). Identifiers: Orphanet 3463, MedGen C4551693, MONDO:0009101, OMIM 222300.
Wolfram-like syndrome. Also called: HEARING LOSS, PROGRESSIVE, WITH OPTIC ATROPHY AND/OR IMPAIRED GLUCOSE REGULATION. Identifiers: Orphanet 411590, MedGen C3280358, MONDO:0013673, OMIM 614296.
Cataract 41 (CTRCT41). Also called: CATARACT 41, CONGENITAL NUCLEAR TYPE. Identifiers: Orphanet 91492, Orphanet 98991, Orphanet 98992, Orphanet 98995, MedGen C3805412, MONDO:0007287, OMIM 116400.
Autosomal dominant nonsyndromic hearing loss 6 (LFSNHL). Also called: Autosomal dominant nonsyndromic deafness 6; DEAFNESS, AUTOSOMAL DOMINANT 6; DEAFNESS, AUTOSOMAL DOMINANT 14; DEAFNESS, AUTOSOMAL DOMINANT 38. Identifiers: Orphanet 90635, MedGen C1833021, MONDO:0010963, OMIM 600965.
Type 2 diabetes mellitus. Also called: Type II diabetes mellitus. Identifiers: MedGen C0011860, MeSH D003924, MONDO:0005148, OMIM 125853, HP:0005978.
WFS1-related disorder. Identifiers: MedGen CN379391, MONDO:0700293.

Allele frequency attached by ClinVar (database versions not stated): gnomAD 0.00005 and 0.00006; ESP Exome Variant Server 0.00008; TOPMed 0.00008.
gnomAD v4.1: 129 of 1,613,878 alleles (0.008%); highest among the groups gnomAD compares: Non-Finnish European, 0.0097%; no homozygotes.

Submissions (8):

Labcorp Genetics (formerly Invitae), Labcorp
Classification: Pathogenic. Last evaluated: 2025-11-27. Review status: criteria provided, single submitter. Criteria: Invitae Variant Classification Sherloc (09022015). Collection method: clinical testing. Allele origin: germline.
Comment: This sequence change replaces alanine, which is neutral and non-polar, with valine, which is neutral and non-polar, at codon 326 of the WFS1 protein (p.Ala326Val). This variant is present in population databases (rs369795224, gnomAD 0.008%). This missense change has been observed in individual(s) with autosomal recessive Wolfram syndrome (PMID: 28432734, 29850290, 32179840; internal data). In at least one individual the data is consistent with being in trans (on the opposite chromosome) from a pathogenic variant. ClinVar contains an entry for this variant (Variation ID: 592987). Invitae Evidence Modeling of protein sequence and biophysical properties (such as structural, functional, and spatial information, amino acid conservation, physicochemical variation, residue mobility, and thermodynamic stability) indicates that this missense variant is not expected to disrupt WFS1 protein function with a negative predictive value of 95%. For these reasons, this variant has been classified as Pathogenic.

GeneDx
Classification: Likely pathogenic. Last evaluated: 2025-03-25. Review status: criteria provided, single submitter. Criteria: GeneDx Variant Classification Process June 2021. Collection method: clinical testing. Allele origin: germline. Affected: yes.
Comment: Not observed at significant frequency in large population cohorts (gnomAD); In silico analysis indicates that this missense variant does not alter protein structure/function; This variant is associated with the following publications: (PMID: 15605410, 11920861, 32179840, 35452662, 33841295, 35469785, 28432734, 29850290)

Fulgent Genetics
Classification: Likely pathogenic for Cataract 41; Type 2 diabetes mellitus; Wolfram syndrome 1; Autosomal dominant nonsyndromic hearing loss 6; Wolfram-like syndrome. Last evaluated: 2024-05-18. Review status: criteria provided, single submitter. Criteria: ACMG Guidelines, 2015. Collection method: clinical testing. Allele origin: germline.

Mayo Clinic Laboratories, Mayo Clinic
Classification: Likely pathogenic. Last evaluated: 2024-04-17. Review status: criteria provided, single submitter. Criteria: ACMG Guidelines, 2015. Collection method: clinical testing. Allele origin: germline. Observed: 1 variant allele.
Comment: PM2_moderate, PM3, PS4_moderate

Blueprint Genetics
Classification: Likely pathogenic for WFS1-related disorders. Last evaluated: 2023-09-15. Review status: criteria provided, single submitter. Criteria: ACMG Guidelines, 2015. Collection method: clinical testing. Allele origin: germline. Affected: yes. Observed: 5 variant alleles.

CeGaT Center for Human Genetics Tuebingen
Classification: Uncertain significance. Last evaluated: 2023-02-01. Review status: criteria provided, single submitter. Criteria: CeGaT Center For Human Genetics Tuebingen Variant Classification Criteria Version 2. Collection method: clinical testing. Allele origin: germline. Affected: yes. Observed: 2 variant alleles.
Comment: WFS1: PP1:Moderate, PS3:Supporting, BP5

Victorian Clinical Genetics Services, Murdoch Childrens Research Institute
Classification: Likely pathogenic for Wolfram syndrome 1. Last evaluated: 2022-02-02. Review status: criteria provided, single submitter. Criteria: ACMG Guidelines, 2015. Collection method: clinical testing. Allele origin: germline. Inheritance: Autosomal recessive inheritance. Affected: yes.
Comment: Based on the classification scheme VCGS_Germline_v1.3.4, this variant is classified as Likely Pathogenic. Following criteria are met: 0102 - Loss of function is a known mechanism of disease in this gene and is associated with autosomal recessive Wolfram syndrome 1 (MIM#222300), and a dominant negative mechanism has also been suggested for heterozygous missense variants causing autosomal dominant Wolfram-like syndrome (MIM#614296). (I) 0108 - This gene is associated with both recessive and dominant disease. Wolfram syndrome 1 (MIM#222300) is recessive, whereas Wolfram-like syndrome (MIM#614296) is inherited in a dominant manner (OMIM). (I) 0200 - Variant is predicted to result in a missense amino acid change from alanine to valine. (I) 0251 - This variant is heterozygous. (I) 0304 - Variant is present in gnomAD (v2) <0.01 for a recessive condition (14 heterozygotes, 0 homozygotes). (SP) 0309 - Multiple alternative amino acid changes at the same position have been observed in gnomAD (v2) (highest allele count: 30 heterozygotes, 0 homozygotes). (I) 0502 - Missense variant with conflicting in silico predictions and high conservation. (I) 0604 - Variant is not located in an established domain, motif, hotspot or informative constraint region. (I) 0802 - This variant has moderate previous evidence of pathogenicity in unrelated individuals. The variant has previously been classified as a VUS (ClinVar), however it has also been reported as likely pathogenic in at least three individuals with autosomal recessive Wolfram syndrome 1 (MIM#222300), once in compound heterozygosity with p.(Gly437Arg) (PMID: 28432734, PMID: 29850290, PMID: 32179840). (SP) 0905 - No published segregation evidence has been identified for this variant. (I) 1007 - No published functional evidence has been identified for this variant. (I) 1102 - Strong phenotype match for this individual. (SP) 1208 - Inheritance information for this variant is not currently available in this individual. (I) Legend: (SP) - Supporting pathogenic, (I) - Information, (SB) - Supporting benign

Eurofins Ntd Llc (ga)
Classification: Uncertain significance. Last evaluated: 2017-07-17. Review status: criteria provided, single submitter. Criteria: EGL Classification Definitions 2015. Collection method: clinical testing. Allele origin: germline. Observed: 1 variant allele, 1 heterozygote.

Literature cited by the submitters: PubMed 28432734 (cited by 3 submitters); PubMed 29850290 (cited by 3 submitters); PubMed 32179840 (cited by 3 submitters); PubMed 11920861 (cited by Mayo Clinic Laboratories, Mayo Clinic); PubMed 33841295 (cited by Mayo Clinic Laboratories, Mayo Clinic); PubMed 34746052 (cited by Mayo Clinic Laboratories, Mayo Clinic); PubMed 37444722 (cited by Mayo Clinic Laboratories, Mayo Clinic).

NM_006005.3(WFS1):c.977C>T (p.Ala326Val)

Gene: WFS1 (wolframin ER transmembrane glycoprotein; plus strand). Cytogenetic location: 4p16.1.
Variant type: single nucleotide variant.
Coding change: c.977C>T on transcript NM_006005.3 (MANE Select); coding-DNA position 977, C replaced by T.
Protein change: p.Ala326Val; replaces alanine 326 with valine.
Molecular consequence: missense variant.
Genome position (GRCh38, 1-based): chr4:6,300,772, C>T. VCF-style: chr4-6300772-C-T. GRCh37 (hg19) VCF-style: chr4-6302499-C-T.
Other names: p.Ala326Val; c.977C>T, p.Ala326Val (NM_001145853.1); short protein forms A326V.
Identifiers: ClinVar variation 592987 (VCV000592987.39), dbSNP rs369795224, ClinGen allele CA2839178.
Genomic context (GRCh38, chr4:6,300,772, plus strand): 5'-TGGCCTCCAGGGCAGGCATGCACTGGCTGTCCACCATCATCCCCACGCACCACATCAACG[C>T]GCTCATCTTCTTCTTCATCGTCAGCAACCTCACCATCGACTTCTTCGCCTTCTTCATCCC-3'
Protein context (NP_005996.2, residues 316-336): STIIPTHHIN[Ala326Val]LIFFFIVSNL